The following is an entry in ClinVar:

NM_001386795.1(DTNA):c.603+167C>T

Gene: DTNA (dystrobrevin alpha; plus strand). Cytogenetic location: 18q12.1.
Variant type: single nucleotide variant.
Coding change: c.603+167C>T on transcript NM_001386795.1 (MANE Select); 167 bases into the intron after coding-DNA position 603, C replaced by T.
Molecular consequence: intron variant.
Genome position (GRCh38, 1-based): chr18:34,812,280, C>T. VCF-style: chr18-34812280-C-T. GRCh37 (hg19) VCF-style: chr18-32392244-C-T.
Other names: c.603+167C>T (NM_032975.4, NM_001386761.1, NM_001386762.1 and 35 more transcripts).
Identifiers: ClinVar variation 675745 (VCV000675745.1), dbSNP rs76038129, ClinGen allele CA298589916.

ClinVar aggregate classification (germline): Benign (1 of 4 stars; one submission).

Allele frequency attached by ClinVar (database versions not stated): gnomAD 0.01510; TOPMed 0.01835; 1000 Genomes Project 0.02196; 1000 Genomes Project 30x 0.02249.
gnomAD v4.1: 2,466 of 152,230 alleles (1.6%); highest among the groups gnomAD compares: African/African-American, 5.6%; 66 homozygotes.

Submission:

GeneDx
Classification: Benign. Last evaluated: 2018-06-16. Review status: criteria provided, single submitter. Criteria: GeneDx Variant Classification (06012015). Collection method: clinical testing. Allele origin: germline. Affected: yes.
Comment: This variant is considered likely benign or benign based on one or more of the following criteria: it is a conservative change, it occurs at a poorly conserved position in the protein, it is predicted to be benign by multiple in silico algorithms, and/or has population frequency not consistent with disease.